The following is an entry in ClinVar:

ClinVar aggregate classification (germline): Uncertain significance (1 of 4 stars; one submission).

Submission:

GeneDx
Classification: Uncertain significance. Last evaluated: 2022-04-15. Review status: criteria provided, single submitter. Criteria: GeneDx Variant Classification Process June 2021. Collection method: clinical testing. Allele origin: germline. Affected: yes.
Comment: Not observed at significant frequency in large population cohorts (gnomAD); In silico analysis supports that this missense variant does not alter protein structure/function; Has not been previously published as pathogenic or benign to our knowledge

NM_001909.5(CTSD):c.122G>T (p.Gly41Val)

Genes: CTSD (cathepsin D; minus strand), PRADX (PRC2 and DDX5 associated lncRNA; plus strand). Cytogenetic location: 11p15.5.
Variant type: single nucleotide variant.
Coding change: c.122G>T on transcript NM_001909.5 (MANE Select); coding-DNA position 122, G replaced by T.
Protein change: p.Gly41Val; replaces glycine 41 with valine.
Molecular consequence: missense variant.
Genome position (GRCh38, 1-based): chr11:1,761,415, C>A on the plus strand (G>T on the coding strand, the complement: CTSD is on the minus strand). VCF-style: chr11-1761415-C-A. GRCh37 (hg19) VCF-style: chr11-1782645-C-A.
Other names: short protein forms G41V.
Identifiers: ClinVar variation 1710759 (VCV001710759.2), dbSNP rs2493829939, ClinGen allele CA379099862.